The following is an entry in ClinVar:

ClinVar aggregate classification (germline): Uncertain significance (0 of 4 stars; one submission).

Conditions:
ATOH1-related disorder. Also called: ATOH1-related condition.

gnomAD v4.1: 2 of 1,614,182 alleles (0.00012%); highest among the groups gnomAD compares: Admixed American, 0.0033%; no homozygotes.

Submission:

PreventionGenetics, part of Exact Sciences
Classification: Uncertain significance for ATOH1-related condition. Last evaluated: 2024-02-13. Review status: no assertion criteria provided. Collection method: clinical testing. Allele origin: germline.
Comment: The ATOH1 c.442C>T variant is predicted to result in the amino acid substitution p.Pro148Ser. To our knowledge, this variant has not been reported in the literature. This variant is reported in 0.0087% of alleles in individuals of Latino descent in gnomAD. At this time, the clinical significance of this variant is uncertain due to the absence of conclusive functional and genetic evidence.

NM_005172.2(ATOH1):c.442C>T (p.Pro148Ser)

Gene: ATOH1 (atonal bHLH transcription factor 1; plus strand). Cytogenetic location: 4q22.2.
Variant type: single nucleotide variant.
Coding change: c.442C>T on transcript NM_005172.2 (MANE Select); coding-DNA position 442, C replaced by T.
Protein change: p.Pro148Ser; replaces proline 148 with serine.
Molecular consequence: missense variant.
Genome position (GRCh38, 1-based): chr4:93,829,368, C>T. VCF-style: chr4-93829368-C-T. GRCh37 (hg19) VCF-style: chr4-94750519-C-T.
Other names: short protein forms P148S.
Identifiers: ClinVar variation 2631847 (VCV002631847.3), dbSNP rs537422021, ClinGen allele CA3012753.